The following is an entry in ClinVar:

ClinVar aggregate classification (germline): Pathogenic (1 of 4 stars; one submission).

Conditions:
Severe X-linked myotubular myopathy (CNMX). Also called: MYOTUBULAR MYOPATHY 1; X-linked centronuclear myopathy; Myotubular myopathy, X-linked. Identifiers: Orphanet 596, MedGen C0410203, MONDO:0010683, OMIM 310400.

Submission:

Labcorp Genetics (formerly Invitae), Labcorp
Classification: Pathogenic for Severe X-linked myotubular myopathy. Last evaluated: 2023-02-21. Review status: criteria provided, single submitter. Criteria: Invitae Variant Classification Sherloc (09022015). Collection method: clinical testing. Allele origin: germline.
Comment: For these reasons, this variant has been classified as Pathogenic. This variant has not been reported in the literature in individuals affected with MTM1-related conditions. This variant is not present in population databases (gnomAD no frequency). This sequence change creates a premature translational stop signal (p.Val373Cysfs*13) in the MTM1 gene. It is expected to result in an absent or disrupted protein product. Loss-of-function variants in MTM1 are known to be pathogenic (PMID: 9305655, 10063835).

Literature cited by the submitters: PubMed 9305655; PubMed 10063835.

NM_000252.3(MTM1):c.1116del (p.Val373fs)

Gene: MTM1 (myotubularin 1; plus strand). Cytogenetic location: Xq28.
Variant type: Deletion.
Coding change: c.1116del on transcript NM_000252.3 (MANE Select); coding-DNA position 1116, one base deleted (T; older notation c.1116delT).
Protein change: p.Val373fs; shifts the reading frame from valine 373.
Molecular consequence: frameshift variant.
Genome position (GRCh38, 1-based): chrX:150,657,883, T deleted; the last of 2 consecutive T bases (chrX:150,657,882-150,657,883); deleting either gives the same sequence. VCF-style (leftmost placement, unchanged base first): chrX-150657881-CT-C. GRCh37 (hg19) VCF-style: chrX-149826354-CT-C.
Other names: c.1116del, p.Val373fs (NM_001376906.1, NM_001376908.1); c.1005del, p.Val336fs (NM_001376907.1); short protein forms V336fs, V373fs.
Identifiers: ClinVar variation 2032880 (VCV002032880.4), dbSNP rs2522434915, ClinGen allele CA2580101642.